The following is an entry in ClinVar:

ClinVar aggregate classification (germline): Likely pathogenic (1 of 4 stars; one submission).

Conditions:
Argininosuccinate lyase deficiency. Also called: ARGININOSUCCINIC ACID LYASE DEFICIENCY; ASL DEFICIENCY; Argininosuccinic aciduria. Identifiers: Orphanet 23, MedGen C0268547, MONDO:0008815, OMIM 207900, HP:0025630.

gnomAD v4.1: 1 of 1,613,062 alleles (0.000062%); no homozygotes.

Submission:

Labcorp Genetics (formerly Invitae), Labcorp
Classification: Likely pathogenic for Argininosuccinate lyase deficiency. Last evaluated: 2022-06-18. Review status: criteria provided, single submitter. Criteria: Invitae Variant Classification Sherloc (09022015). Collection method: clinical testing. Allele origin: germline.
Comment: In summary, the currently available evidence indicates that the variant is pathogenic, but additional data are needed to prove that conclusively. Therefore, this variant has been classified as Likely Pathogenic. This variant disrupts the p.Glu241 amino acid residue in ASL. Other variant(s) that disrupt this residue have been determined to be pathogenic (PMID: 15164414; Invitae). This suggests that this residue is clinically significant, and that variants that disrupt this residue are likely to be disease-causing. Advanced modeling of protein sequence and biophysical properties (such as structural, functional, and spatial information, amino acid conservation, physicochemical variation, residue mobility, and thermodynamic stability) performed at Invitae indicates that this missense variant is expected to disrupt ASL protein function. This variant has not been reported in the literature in individuals affected with ASL-related conditions. This variant is not present in population databases (gnomAD no frequency). This sequence change replaces glutamic acid, which is acidic and polar, with aspartic acid, which is acidic and polar, at codon 241 of the ASL protein (p.Glu241Asp).

Literature cited by the submitters: PubMed 15164414.

NM_000048.4(ASL):c.723G>C (p.Glu241Asp)

Gene: ASL (argininosuccinate lyase; plus strand). Cytogenetic location: 7q11.21.
Variant type: single nucleotide variant.
Coding change: c.723G>C on transcript NM_000048.4 (MANE Select); coding-DNA position 723, G replaced by C.
Protein change: p.Glu241Asp; replaces glutamic acid 241 with aspartic acid.
Molecular consequence: missense variant.
Genome position (GRCh38, 1-based): chr7:66,088,811, G>C. VCF-style: chr7-66088811-G-C. GRCh37 (hg19) VCF-style: chr7-65553798-G-C.
Other names: c.723G>C, p.Glu241Asp (NM_001024943.2, NM_001024944.2); c.645G>C, p.Glu215Asp (NM_001024946.2); short protein forms E215D, E241D.
Identifiers: ClinVar variation 2004648 (VCV002004648.4), dbSNP rs1409068410, ClinGen allele CA367645095.